The following is an entry in ClinVar:

ClinVar aggregate classification (germline): Likely benign. Review status: criteria provided, multiple submitters, no conflicts (2 of 4 stars). 3 submissions from 3 submitters: Likely benign (3). Last evaluated 2025-10-22.

Conditions:
Cardiovascular phenotype. Identifiers: MedGen CN230736.

Allele frequency attached by ClinVar (database versions not stated): gnomAD 0.00003; TOPMed 0.00005; ExAC 0.00014.

Submissions (3):

Labcorp Genetics (formerly Invitae), Labcorp
Classification: Likely benign. Last evaluated: 2025-10-22. Review status: criteria provided, single submitter. Criteria: Invitae Variant Classification Sherloc (09022015). Collection method: clinical testing. Allele origin: germline.

CeGaT Center for Human Genetics Tuebingen
Classification: Likely benign. Last evaluated: 2024-03-01. Review status: criteria provided, single submitter. Criteria: CeGaT Center For Human Genetics Tuebingen Variant Classification Criteria Version 2. Collection method: clinical testing. Allele origin: germline. Affected: yes. Observed: 1 variant allele.
Comment: ZNF469: BP4, BP7

Ambry Genetics
Classification: Likely benign for Cardiovascular phenotype. Last evaluated: 2020-03-29. Review status: criteria provided, single submitter. Criteria: Ambry Variant Classification Scheme 2023. Collection method: clinical testing. Allele origin: germline.

NM_001367624.2(ZNF469):c.7506C>T (p.Pro2502=)

Gene: ZNF469 (zinc finger protein 469; plus strand). Cytogenetic location: 16q24.2.
Variant type: single nucleotide variant.
Coding change: c.7506C>T on transcript NM_001367624.2 (MANE Select); coding-DNA position 7506, C replaced by T.
Protein change: p.Pro2502=; no amino-acid change (proline 2502 retained).
Molecular consequence: synonymous variant.
Genome position (GRCh38, 1-based): chr16:88,434,976, C>T. VCF-style: chr16-88434976-C-T. GRCh37 (hg19) VCF-style: chr16-88501384-C-T.
Other names: NM_001127464.1:c.7422C>T.
Identifiers: ClinVar variation 1565106 (VCV001565106.31), dbSNP rs778439886, ClinGen allele CA8225251.